The following is an entry in ClinVar:

ClinVar aggregate classification (germline): Pathogenic. Review status: criteria provided, multiple submitters, no conflicts (2 of 4 stars). 2 submissions from 2 submitters: Pathogenic (2). Last evaluated 2022-05-22.

Conditions:
Coffin-Siris syndrome 1 (CSS1). Also called: ARID1B-Related Coffin-Siris Syndrome; Mental retardation, autosomal dominant 12. Identifiers: Orphanet 1465, MedGen C3281201, MONDO:0007617, OMIM 135900. Disease mechanism: gain of function.

Submissions (2):

3billion
Classification: Pathogenic for Coffin-Siris syndrome 1. Last evaluated: 2022-05-22. Review status: criteria provided, single submitter. Criteria: ACMG Guidelines, 2015. Collection method: clinical testing. Allele origin: germline. Affected: yes. Observed: 1 heterozygote.
Comment: The variant is not observed in the gnomAD v2.1.1 dataset. Stop-gained (nonsense): predicted to result in a loss or disruption of normal protein function through nonsense-mediated decay (NMD) or protein truncation. Multiple pathogenic variants are reported downstream of the variant. The variant has been reported to be associated with ARID1B related disorder (ClinVar ID: VCV000598563). Therefore, this variant is classified as pathogenic according to the recommendation of ACMG/AMP guideline.

Eurofins Ntd Llc (ga)
Classification: Pathogenic. Last evaluated: 2018-08-24. Review status: criteria provided, single submitter. Criteria: EGL ClinVar v180209 classification definitions. Collection method: clinical testing. Allele origin: germline. Observed: 1 variant allele, 1 heterozygote.

NM_001374828.1(ARID1B):c.4794C>G (p.Tyr1598Ter)

Gene: ARID1B (AT-rich interaction domain 1B; plus strand). Cytogenetic location: 6q25.3.
Variant type: single nucleotide variant.
Coding change: c.4794C>G on transcript NM_001374828.1 (MANE Select); coding-DNA position 4794, C replaced by G.
Protein change: p.Tyr1598Ter; replaces tyrosine 1598 with a stop codon.
Molecular consequence: nonsense.
Genome position (GRCh38, 1-based): chr6:157,201,019, C>G. VCF-style: chr6-157201019-C-G. GRCh37 (hg19) VCF-style: chr6-157522153-C-G.
Other names: c.2295C>G, p.Tyr765Ter (NM_001363725.2); c.4674C>G, p.Tyr1558Ter (NM_001371656.1, NM_001374820.1); c.4635C>G, p.Tyr1545Ter (NM_017519.3); short protein forms Y765*, Y1545*, Y1558*, Y1598*.
Identifiers: ClinVar variation 598563 (VCV000598563.6), dbSNP rs1562345819, ClinGen allele CA366241531.